The following is an entry in ClinVar:

NM_015041.3(CLUAP1):c.1140_1148del (p.Glu380_Asp382del)

Gene: CLUAP1 (clusterin associated protein 1; plus strand). Cytogenetic location: 16p13.3.
Variant type: Deletion.
Coding change: c.1140_1148del on transcript NM_015041.3 (MANE Select); coding-DNA positions 1140 to 1148, 9 bases deleted (GGATGACGA; older notation c.1140_1148delGGATGACGA).
Protein change: p.Glu380_Asp382del.
Molecular consequence: inframe deletion.
Genome position (GRCh38, 1-based): chr16:3,536,169-3,536,177, GGATGACGA deleted; deleting any 9 consecutive bases within chr16:3,536,161-3,536,177 gives the same sequence; the c. name uses the placement nearest the transcript's 3' end. VCF-style (leftmost placement, unchanged base first): chr16-3536160-TGATGACGAG-T. GRCh37 (hg19) VCF-style: chr16-3586160-TGATGACGAG-T.
Other names: c.1197_1205del, p.Glu399_Asp401del (NM_001330454.2); c.642_650del, p.Glu214_Asp216del (NM_024793.3).
Identifiers: ClinVar variation 1025463 (VCV001025463.8), dbSNP rs1376833519, ClinGen allele CA493261650.

ClinVar aggregate classification (germline): Uncertain significance (1 of 4 stars; one submission).

Submission:

Labcorp Genetics (formerly Invitae), Labcorp
Classification: Uncertain significance. Last evaluated: 2025-07-27. Review status: criteria provided, single submitter. Criteria: Invitae Variant Classification Sherloc (09022015). Collection method: clinical testing. Allele origin: germline.
Comment: This variant, c.1140_1148del, results in the deletion of 3 amino acid(s) of the CLUAP1 protein (p.Glu380_Asp382del), but otherwise preserves the integrity of the reading frame. This variant is present in population databases (no rsID available, gnomAD 0.003%). This variant has not been reported in the literature in individuals affected with CLUAP1-related conditions. ClinVar contains an entry for this variant (Variation ID: 1025463). Experimental studies and prediction algorithms are not available or were not evaluated, and the functional significance of this variant is currently unknown. In summary, the available evidence is currently insufficient to determine the role of this variant in disease. Therefore, it has been classified as a Variant of Uncertain Significance.